The following is an entry in ClinVar:

ClinVar aggregate classification (germline): Pathogenic. Review status: criteria provided, multiple submitters, no conflicts (2 of 4 stars). 2 submissions from 2 submitters: Pathogenic (2). Last evaluated 2022-12-05.

Conditions:
RPS19-related disorder. Also called: RPS19-related condition.
Diamond-Blackfan anemia. Also called: Blackfan Diamond syndrome; Aregenerative anemia chronic congenital; Red cell aplasia, pure hereditary; Congenital hypoplastic anemia; Aase syndrome. Identifiers: Orphanet 124, MedGen C1260899, MeSH D029503, MONDO:0015253, HP:0004810.

Submissions (2):

Blueprint Genetics
Classification: Pathogenic for RPS19-related disorders. Last evaluated: 2022-12-05. Review status: criteria provided, single submitter. Criteria: ACMG Guidelines, 2015. Collection method: clinical testing. Allele origin: germline. Affected: yes. Observed: 1 variant allele.

Labcorp Genetics (formerly Invitae), Labcorp
Classification: Pathogenic for Diamond-Blackfan anemia. Last evaluated: 2019-09-23. Review status: criteria provided, single submitter. Criteria: Invitae Variant Classification Sherloc (09022015). Collection method: clinical testing. Allele origin: germline.
Comment: This variant is not present in population databases (ExAC no frequency). This sequence change creates a premature translational stop signal (p.Trp33*) in the RPS19 gene. It is expected to result in an absent or disrupted protein product. For these reasons, this variant has been classified as Pathogenic. Loss-of-function variants in RPS19 are known to be pathogenic (PMID: 20960466). A different variant (c.98G>A) giving rise to the same protein effect observed here (p.Trp33*) has been determined to be pathogenic (PMID: 18768533). This suggests that this variant is also likely to be causative of disease. This variant has not been reported in the literature in individuals with RPS19-related conditions.

Literature cited by the submitters: PubMed 20960466 (cited by Labcorp Genetics (formerly Invitae), Labcorp); PubMed 18768533 (cited by Labcorp Genetics (formerly Invitae), Labcorp).

NM_001022.4(RPS19):c.99G>A (p.Trp33Ter)

Genes: RPS19-CD79A (RPS19-CD79A readthrough; plus strand), RPS19 (ribosomal protein S19; plus strand). Cytogenetic location: 19q13.2.
Variant type: single nucleotide variant.
Coding change: c.99G>A on transcript NM_001022.4 (MANE Select); coding-DNA position 99, G replaced by A.
Protein change: p.Trp33Ter; replaces tryptophan 33 with a stop codon.
Molecular consequence: nonsense.
Genome position (GRCh38, 1-based): chr19:41,861,139, G>A. VCF-style: chr19-41861139-G-A. GRCh37 (hg19) VCF-style: chr19-42365208-G-A.
Other names: c.99G>A, p.Trp33Ter (NM_001321483.2, NM_001321484.2, NM_001321485.2); short protein forms W33*.
Identifiers: ClinVar variation 940523 (VCV000940523.11), dbSNP rs2074026880, ClinGen allele CA406046714.
Genomic context (GRCh38, chr19:41,861,139, plus strand): 5'-TGAATCGTGCTTTTCCCACTGTTTTGGTCTTAGGTCCGGGAAGCTGAAAGTCCCCGAATG[G>A]GTGGATACCGTCAAGCTGGCCAAGCACAAAGAGCTTGCTCCCTACGATGAGAACTGGTTC-3'